The following is an entry in ClinVar:

ClinVar aggregate classification (germline): Uncertain significance (1 of 4 stars; one submission).

Allele frequency attached by ClinVar (database versions not stated): TOPMed below 0.00001.
gnomAD v4.1: 1 of 1,613,386 alleles (0.000062%); highest among the groups gnomAD compares: Non-Finnish European, 0.000085%; no homozygotes.

Submission:

Labcorp Genetics (formerly Invitae), Labcorp
Classification: Uncertain significance. Last evaluated: 2021-11-19. Review status: criteria provided, single submitter. Criteria: Invitae Variant Classification Sherloc (09022015). Collection method: clinical testing. Allele origin: germline.
Comment: In summary, the available evidence is currently insufficient to determine the role of this variant in disease. Therefore, it has been classified as a Variant of Uncertain Significance. Algorithms developed to predict the effect of missense changes on protein structure and function are either unavailable or do not agree on the potential impact of this missense change (SIFT: "Tolerated"; PolyPhen-2: "Possibly Damaging"; Align-GVGD: "Class C0"). This variant has not been reported in the literature in individuals affected with IFT74-related conditions. This variant is not present in population databases (gnomAD no frequency). This sequence change replaces glutamic acid, which is acidic and polar, with glycine, which is neutral and non-polar, at codon 225 of the IFT74 protein (p.Glu225Gly).

NM_025103.4(IFT74):c.674A>G (p.Glu225Gly)

Gene: IFT74 (intraflagellar transport 74; plus strand). Cytogenetic location: 9p21.2.
Variant type: single nucleotide variant.
Coding change: c.674A>G on transcript NM_025103.4 (MANE Select); coding-DNA position 674, A replaced by G.
Protein change: p.Glu225Gly; replaces glutamic acid 225 with glycine.
Molecular consequence: missense variant.
Genome position (GRCh38, 1-based): chr9:27,009,106, A>G. VCF-style: chr9-27009106-A-G. GRCh37 (hg19) VCF-style: chr9-27009104-A-G.
Other names: c.674A>G, p.Glu225Gly (NM_001099222.3, NM_001099223.3, NM_001099224.3 and 1 more transcripts); short protein forms E225G.
Identifiers: ClinVar variation 1394088 (VCV001394088.6), dbSNP rs1210786711, ClinGen allele CA373116561.
Genomic context (GRCh38, chr9:27,009,106, plus strand): 5'-AAGAAGAAATTGAACAGGAAAAACAAGCAACAGATGACATTATCAAAAATATGTCTTTTG[A>G]AAACCAAGTCAAGTACCTAGAGATGAAAACCACAAATGAGAAACTGTTACAGGTAATACA-3'
Protein context (NP_079379.2, residues 215-235): TDDIIKNMSF[Glu225Gly]NQVKYLEMKT